The following is an entry in ClinVar:

NM_030665.4(RAI1):c.4163G>A (p.Gly1388Glu)

Gene: RAI1 (retinoic acid induced 1; plus strand). Cytogenetic location: 17p11.2.
Variant type: single nucleotide variant.
Coding change: c.4163G>A on transcript NM_030665.4 (MANE Select); coding-DNA position 4163, G replaced by A.
Protein change: p.Gly1388Glu; replaces glycine 1388 with glutamic acid.
Molecular consequence: missense variant.
Genome position (GRCh38, 1-based): chr17:17,797,111, G>A. VCF-style: chr17-17797111-G-A. GRCh37 (hg19) VCF-style: chr17-17700425-G-A.
Other names: short protein forms G1388E.
Identifiers: ClinVar variation 4746206 (VCV004746206.1).

ClinVar aggregate classification (germline): Uncertain significance (1 of 4 stars; one submission).

Submission:

Labcorp Genetics (formerly Invitae), Labcorp
Classification: Uncertain significance. Last evaluated: 2025-09-24. Review status: criteria provided, single submitter. Criteria: Invitae Variant Classification Sherloc (09022015). Collection method: clinical testing. Allele origin: germline.
Comment: This sequence change replaces glycine, which is neutral and non-polar, with glutamic acid, which is acidic and polar, at codon 1388 of the RAI1 protein (p.Gly1388Glu). This variant is not present in population databases (gnomAD no frequency). This variant has not been reported in the literature in individuals affected with RAI1-related conditions. Invitae Evidence Modeling of protein sequence and biophysical properties (such as structural, functional, and spatial information, amino acid conservation, physicochemical variation, residue mobility, and thermodynamic stability) indicates that this missense variant is not expected to disrupt RAI1 protein function with a negative predictive value of 80%. In summary, the available evidence is currently insufficient to determine the role of this variant in disease. Therefore, it has been classified as a Variant of Uncertain Significance.